The following is an entry in ClinVar:

ClinVar aggregate classification (germline): Uncertain significance (1 of 4 stars; one submission).

Conditions:
Familial cancer of breast. Also called: Hereditary breast cancer; hereditary breast carcinoma; BREAST CANCER, FAMILIAL. Identifiers: Orphanet 227535, MedGen C0346153, MONDO:0016419, OMIM 114480. Disease mechanism: loss of function.

gnomAD v4.1: 1 of 1,594,134 alleles (0.000063%); highest among the groups gnomAD compares: Non-Finnish European, 0.000085%; no homozygotes.

Submission:

Labcorp Genetics (formerly Invitae), Labcorp
Classification: Uncertain significance for Familial cancer of breast. Last evaluated: 2025-09-28. Review status: criteria provided, single submitter. Criteria: Invitae Variant Classification Sherloc (09022015). Collection method: clinical testing. Allele origin: germline.
Comment: This sequence change replaces glutamine, which is neutral and polar, with glutamic acid, which is acidic and polar, at codon 216 of the BARD1 protein (p.Gln216Glu). This variant is not present in population databases (gnomAD no frequency). This variant has not been reported in the literature in individuals affected with BARD1-related conditions. An algorithm developed to predict the effect of missense changes on protein structure and function outputs the following: PolyPhen-2: "Benign". The glutamic acid amino acid residue is found in multiple mammalian species, which suggests that this missense change does not adversely affect protein function. In summary, the available evidence is currently insufficient to determine the role of this variant in disease. Therefore, it has been classified as a Variant of Uncertain Significance.

NM_000465.4(BARD1):c.646C>G (p.Gln216Glu)

Gene: BARD1 (BRCA1 associated RING domain 1; minus strand). Cytogenetic location: 2q35.
Variant type: single nucleotide variant.
Coding change: c.646C>G on transcript NM_000465.4 (MANE Select); coding-DNA position 646, C replaced by G.
Protein change: p.Gln216Glu; replaces glutamine 216 with glutamic acid.
Molecular consequence: missense variant. On other transcripts: non-coding transcript variant (2), intron variant (3).
Genome position (GRCh38, 1-based): chr2:214,781,228, G>C on the plus strand (C>G on the coding strand, the complement: BARD1 is on the minus strand). VCF-style: chr2-214781228-G-C. GRCh37 (hg19) VCF-style: chr2-215645952-G-C.
Other names: c.589C>G, p.Gln197Glu (NM_001282543.2); c.158+28184C>G (NM_001282548.2); c.215+15833C>G (NM_001282545.2); c.364+11069C>G (NM_001282549.2); short protein forms Q197E, Q216E.
Identifiers: ClinVar variation 4727997 (VCV004727997.1).